The following is an entry in ClinVar:

NM_000548.5(TSC2):c.2671C>T (p.His891Tyr)

Gene: TSC2 (TSC complex subunit 2; plus strand). Cytogenetic location: 16p13.3.
Variant type: single nucleotide variant.
Coding change: c.2671C>T on transcript NM_000548.5 (MANE Select); coding-DNA position 2671, C replaced by T.
Protein change: p.His891Tyr; replaces histidine 891 with tyrosine.
Molecular consequence: missense variant.
Genome position (GRCh38, 1-based): chr16:2,076,099, C>T. VCF-style: chr16-2076099-C-T. GRCh37 (hg19) VCF-style: chr16-2126100-C-T.
Other names: c.2671C>T, p.His891Tyr (NM_001077183.3, NM_001114382.3, NM_001363528.2 and 3 more transcripts); c.2560C>T, p.His854Tyr (NM_001318827.2); c.2524C>T, p.His842Tyr (NM_001318829.2); c.2071C>T, p.His691Tyr (NM_001318831.2); c.2704C>T, p.His902Tyr (NM_001318832.2); short protein forms H691Y, H891Y, H842Y, H854Y, H902Y.
Identifiers: ClinVar variation 843516 (VCV000843516.11), dbSNP rs2089316693, ClinGen allele CA394279294.

ClinVar aggregate classification (germline): Uncertain significance. Review status: criteria provided, multiple submitters, no conflicts (2 of 4 stars). 2 submissions from 2 submitters: Uncertain significance (2). Last evaluated 2024-12-02.

Conditions:
Hereditary cancer-predisposing syndrome. Also called: Neoplastic Syndromes, Hereditary; Hereditary neoplastic syndrome; Tumor predisposition; Hereditary Cancer Syndrome. Identifiers: Orphanet 140162, MedGen C0027672, MeSH D009386, MONDO:0015356.
Tuberous sclerosis 2 (TSC2). Identifiers: Orphanet 805, MedGen C1860707, MONDO:0013199, OMIM 613254.

Submissions (2):

Ambry Genetics
Classification: Uncertain significance for Hereditary cancer-predisposing syndrome. Last evaluated: 2024-12-02. Review status: criteria provided, single submitter. Criteria: Ambry Variant Classification Scheme 2023. Collection method: clinical testing. Allele origin: germline.
Comment: The p.H891Y variant (also known as c.2671C>T), located in coding exon 23 of the TSC2 gene, results from a C to T substitution at nucleotide position 2671. The histidine at codon 891 is replaced by tyrosine, an amino acid with similar properties. This amino acid position is highly conserved in available vertebrate species. In addition, this alteration is predicted to be deleterious by in silico analysis. Based on the available evidence, the clinical significance of this variant remains unclear.

Labcorp Genetics (formerly Invitae), Labcorp
Classification: Uncertain significance for Tuberous sclerosis 2. Last evaluated: 2024-03-06. Review status: criteria provided, single submitter. Criteria: Invitae Variant Classification Sherloc (09022015). Collection method: clinical testing. Allele origin: germline.
Comment: This sequence change replaces histidine, which is basic and polar, with tyrosine, which is neutral and polar, at codon 891 of the TSC2 protein (p.His891Tyr). This variant is not present in population databases (gnomAD no frequency). This variant has not been reported in the literature in individuals affected with TSC2-related conditions. ClinVar contains an entry for this variant (Variation ID: 843516). Advanced modeling of protein sequence and biophysical properties (such as structural, functional, and spatial information, amino acid conservation, physicochemical variation, residue mobility, and thermodynamic stability) performed at Invitae indicates that this missense variant is not expected to disrupt TSC2 protein function with a negative predictive value of 95%. In summary, the available evidence is currently insufficient to determine the role of this variant in disease. Therefore, it has been classified as a Variant of Uncertain Significance.